The following is an entry in ClinVar:

NM_001999.4(FBN2):c.1131del (p.Glu378fs)

Gene: FBN2 (fibrillin 2; minus strand). Cytogenetic location: 5q23.3.
Variant type: Deletion.
Coding change: c.1131del on transcript NM_001999.4 (MANE Select); coding-DNA position 1131, one base deleted (A; older notation c.1131delA).
Protein change: p.Glu378fs; shifts the reading frame from glutamic acid 378.
Molecular consequence: frameshift variant.
Genome position (GRCh38, 1-based): chr5:128,395,222, T deleted on the plus strand (A on the coding strand, the reverse complement: FBN2 is on the minus strand); the first of 2 consecutive T bases (chr5:128,395,222-128,395,223); deleting either gives the same sequence. VCF-style (leftmost placement, unchanged base first): chr5-128395221-CT-C. GRCh37 (hg19) VCF-style: chr5-127730914-CT-C.
Other names: short protein forms E378fs.
Identifiers: ClinVar variation 2580083 (VCV002580083.2), dbSNP rs2479443634, ClinGen allele CA2580617963.

ClinVar aggregate classification (germline): Uncertain significance (1 of 4 stars; one submission).

Submission:

GeneDx
Classification: Uncertain significance. Last evaluated: 2024-02-16. Review status: criteria provided, single submitter. Criteria: GeneDx Variant Classification Process June 2021. Collection method: clinical testing. Allele origin: germline.
Comment: Not observed at significant frequency in large population cohorts (gnomAD); Frameshift variant predicted to result in protein truncation or nonsense mediated decay in a gene or region of a gene for which loss of function is not a well-established mechanism of disease; Has not been previously published as pathogenic or benign to our knowledge